The following is an entry in ClinVar:

ClinVar aggregate classification (germline): Conflicting classifications of pathogenicity. Review status: criteria provided, conflicting classifications (1 of 4 stars). 6 submissions from 6 submitters: Likely pathogenic (1); Uncertain significance (4). 1 of the submissions does not count toward it. Last evaluated 2026-01-20.

Conditions:
Pulmonary fibrosis and/or bone marrow failure, Telomere-related, 3. Also called: PULMONARY FIBROSIS AND/OR BONE MARROW FAILURE SYNDROME, TELOMERE-RELATED, 3. Identifiers: Orphanet 2032, MedGen C4225346, MONDO:0014613, OMIM 616373.
Dyskeratosis congenita, autosomal recessive 5 (DKCB5). Identifiers: MedGen C3554656, MONDO:0014076, OMIM 615190.
Dyskeratosis congenita. Identifiers: Orphanet 1775, MedGen C0265965, MONDO:0015780.

Allele frequency attached by ClinVar (database versions not stated): gnomAD 0.00001; TOPMed 0.00002; gnomAD exomes 0.00003; ExAC 0.00004; ESP Exome Variant Server 0.00008.
gnomAD v4.1: 18 of 1,612,276 alleles (0.0011%); highest among the groups gnomAD compares: East Asian, 0.0067%; no homozygotes.

Submissions (6):

Institute of Human Genetics, University of Leipzig Medical Center
Classification: Uncertain significance for Pulmonary fibrosis and/or bone marrow failure, Telomere-related, 3. Last evaluated: 2026-01-20. Review status: criteria provided, single submitter. Criteria: ACMG Guidelines, 2015. Collection method: clinical testing. Allele origin: unknown. Inheritance: Autosomal dominant inheritance. Affected: yes.
Comment: Criteria applied: PS4_SUP,PM2_SUP,PM5_SUP,PP3

Labcorp Genetics (formerly Invitae), Labcorp
Classification: Uncertain significance for Dyskeratosis congenita, autosomal recessive 5; Pulmonary fibrosis and/or bone marrow failure, Telomere-related, 3. Last evaluated: 2025-12-17. Review status: criteria provided, single submitter. Criteria: Invitae Variant Classification Sherloc (09022015). Collection method: clinical testing. Allele origin: germline.
Comment: This sequence change replaces arginine, which is basic and polar, with cysteine, which is neutral and slightly polar, at codon 550 of the RTEL1 protein (p.Arg550Cys). This variant is present in population databases (rs369419645, gnomAD 0.01%). This missense change has been observed in individual(s) with pulmonary fibrosis (PMID: 30995915). This variant is also known as p.Arg574Cys. ClinVar contains an entry for this variant (Variation ID: 422356). An algorithm developed to predict the effect of missense changes on protein structure and function (PolyPhen-2) suggests that this variant is likely to be disruptive. In summary, the available evidence is currently insufficient to determine the role of this variant in disease. Therefore, it has been classified as a Variant of Uncertain Significance.

GeneDx
Classification: Likely pathogenic. Last evaluated: 2023-04-17. Review status: criteria provided, single submitter. Criteria: GeneDx Variant Classification Process June 2021. Collection method: clinical testing. Allele origin: germline. Affected: yes.
Comment: Observed in large population cohorts (gnomAD; internal data); In silico analysis supports that this missense variant has a deleterious effect on protein structure/function; This variant is associated with the following publications: (PMID: 29361909, 30995915)

Sema4
Classification: Uncertain significance for Dyskeratosis congenita. Last evaluated: 2022-03-05. Review status: criteria provided, single submitter. Criteria: Sema4 Curation Guidelines. Collection method: curation. Allele origin: germline.
Comment: The RTEL1 c.1648C>T (p.R550C) variant has been reported in at least 2 patients with familial pulmonary fibrosis and familial interstitial pneumonia (PMID: 30995915, 29361909). This variant is also known as RTEL1 c.1720C>T (p.R574C) (NM_032957.4). It was observed in 2/19932 chromosomes of the East Asian (EAS) subpopulation in the large and broad cohorts of the Genome Aggregation Database (PMID: 32461654). This variant has been reported in ClinVar (Variation ID 664328). In silico tools suggest the impact of the variant on protein function is deleterious, though these predictions have not been confirmed by functional studies. The evidence is insufficient to meet ACMG/AMP criteria for classifying the variant as benign or pathogenic. Thus, the clinical significance of this variant is currently uncertain.

3billion
Classification: Uncertain significance for Dyskeratosis congenita, autosomal recessive 5. Last evaluated: 2022-01-03. Review status: criteria provided, single submitter. Criteria: ACMG Guidelines, 2015. Collection method: clinical testing. Allele origin: germline. Affected: yes. Observed: 1 heterozygote.
Comment: The variant is observed at an extremely low frequency in the gnomAD v2.1.1 dataset (total allele frequency: 0.000028, PM2_M). In silico tool predictions suggest damaging effect of the variant on gene or gene product (REVEL: 0.713, PP3_P). Therefore, this variant is classified as uncertain significance according to the recommendation of ACMG/AMP guideline.

Counsyl
Classification: Uncertain significance for Dyskeratosis congenita, autosomal recessive 5. Last evaluated: 2019-01-09. Review status: no assertion criteria provided. Collection method: clinical testing. Allele origin: unknown. Not counted in ClinVar's aggregate classification.

Literature cited by the submitters: PubMed 30995915 (cited by Labcorp Genetics (formerly Invitae), Labcorp and Sema4); PubMed 29361909 (cited by Sema4).

NM_001283009.2(RTEL1):c.1648C>T (p.Arg550Cys)

Genes: RTEL1-TNFRSF6B (RTEL1-TNFRSF6B readthrough (NMD candidate); plus strand), RTEL1 (regulator of telomere elongation helicase 1; plus strand). Cytogenetic location: 20q13.33.
Variant type: single nucleotide variant.
Coding change: c.1648C>T on transcript NM_001283009.2 (MANE Select); coding-DNA position 1648, C replaced by T.
Protein change: p.Arg550Cys; replaces arginine 550 with cysteine.
Molecular consequence: missense variant. On other transcripts: non-coding transcript variant (1).
Genome position (GRCh38, 1-based): chr20:63,688,312, C>T. VCF-style: chr20-63688312-C-T. GRCh37 (hg19) VCF-style: chr20-62319665-C-T.
Other names: c.979C>T, p.Arg327Cys (NM_001283010.1); c.1648C>T, p.Arg550Cys (NM_016434.4); c.1720C>T, p.Arg574Cys (NM_032957.5); c.1648C>T (NM_001283009.1); short protein forms R550C, R574C, R327C.
Identifiers: ClinVar variation 422356 (VCV000422356.11), dbSNP rs369419645, ClinGen allele CA9964910.